The following is an entry in ClinVar:

NM_015915.5(ATL1):c.206C>T (p.Ala69Val)

Gene: ATL1 (atlastin GTPase 1; plus strand). Cytogenetic location: 14q22.1.
Variant type: single nucleotide variant.
Coding change: c.206C>T on transcript NM_015915.5 (MANE Select); coding-DNA position 206, C replaced by T.
Protein change: p.Ala69Val; replaces alanine 69 with valine.
Molecular consequence: missense variant.
Genome position (GRCh38, 1-based): chr14:50,588,002, C>T. VCF-style: chr14-50588002-C-T. GRCh37 (hg19) VCF-style: chr14-51054720-C-T.
Other names: c.206C>T, p.Ala69Val (NM_001127713.1, NM_181598.4); short protein forms A69V.
Identifiers: ClinVar variation 1055661 (VCV001055661.10), dbSNP rs2140201934, ClinGen allele CA389665826.

ClinVar aggregate classification (germline): Uncertain significance. Review status: criteria provided, multiple submitters, no conflicts (2 of 4 stars). 2 submissions from 2 submitters: Uncertain significance (2). Last evaluated 2024-12-02.

Conditions:
Hereditary spastic paraplegia 3A (SPG3A). Also called: Spastic paraplegia 3A, autosomal dominant; SPASTIC PARAPLEGIA 3, AUTOSOMAL DOMINANT; FAMILIAL SPASTIC PARAPLEGIA, AUTOSOMAL DOMINANT, 1; SPG3; STRUMPELL DISEASE; Spastic Paraplegia 3A. Identifiers: Orphanet 100984, MedGen C2931355, MONDO:0008437, OMIM 182600.

gnomAD v4.1: 2 of 1,614,142 alleles (0.00012%); no homozygotes.

Submissions (2):

Labcorp Genetics (formerly Invitae), Labcorp
Classification: Uncertain significance for Hereditary spastic paraplegia 3A. Last evaluated: 2024-12-02. Review status: criteria provided, single submitter. Criteria: Invitae Variant Classification Sherloc (09022015). Collection method: clinical testing. Allele origin: germline.
Comment: This sequence change replaces alanine, which is neutral and non-polar, with valine, which is neutral and non-polar, at codon 69 of the ATL1 protein (p.Ala69Val). This variant is not present in population databases (gnomAD no frequency). This variant has not been reported in the literature in individuals affected with ATL1-related conditions. ClinVar contains an entry for this variant (Variation ID: 1055661). Invitae Evidence Modeling of protein sequence and biophysical properties (such as structural, functional, and spatial information, amino acid conservation, physicochemical variation, residue mobility, and thermodynamic stability) has been performed for this missense variant. However, the output from this modeling did not meet the statistical confidence thresholds required to predict the impact of this variant on ATL1 protein function. In summary, the available evidence is currently insufficient to determine the role of this variant in disease. Therefore, it has been classified as a Variant of Uncertain Significance.

Blueprint Genetics
Classification: Uncertain significance. Last evaluated: 2019-12-10. Review status: criteria provided, single submitter. Criteria: ACMG Guidelines, 2015. Collection method: clinical testing. Allele origin: germline.